The following is an entry in ClinVar:

NM_147127.5(EVC2):c.3220del (p.Leu1074fs)

Gene: EVC2 (EvC ciliary complex subunit 2; minus strand). Cytogenetic location: 4p16.2.
Variant type: Deletion.
Coding change: c.3220del on transcript NM_147127.5 (MANE Select); coding-DNA position 3220, one base deleted (C; older notation c.3220delC).
Protein change: p.Leu1074fs; shifts the reading frame from leucine 1074.
Molecular consequence: frameshift variant.
Genome position (GRCh38, 1-based): chr4:5,576,292, G deleted on the plus strand (C on the coding strand, the reverse complement: EVC2 is on the minus strand); the first of 2 consecutive G bases (chr4:5,576,292-5,576,293); deleting either gives the same sequence. VCF-style (leftmost placement, unchanged base first): chr4-5576291-AG-A. GRCh37 (hg19) VCF-style: chr4-5578018-AG-A.
Other names: c.2980del, p.Leu994fs (NM_001166136.2); short protein forms L1074fs, L994fs.
Identifiers: ClinVar variation 5013428 (VCV005013428.1).

ClinVar aggregate classification (germline): Pathogenic (1 of 4 stars; one submission).

Conditions:
Ellis-van Creveld syndrome (EVC). Also called: MESOECTODERMAL DYSPLASIA; Chondroectodermal dysplasia. Identifiers: Orphanet 289, MedGen C0013903, MONDO:0009162, OMIM 225500.

Submission:

Myriad Genetics, Inc.
Classification: Pathogenic for Ellis-van Creveld syndrome. Last evaluated: 2024-08-08. Review status: criteria provided, single submitter. Criteria: Myriad Autosomal Dominant, Autosomal Recessive and X-Linked Classification Criteria (2023). Collection method: clinical testing. Allele origin: unknown.
Comment: NM_147127.4(EVC2):c.3220delC(L1074Cfs*5) is expected to be pathogenic in the context of EVC2-related Ellis-van Creveld syndrome. This variant is predicted to lead to an abnormal or absent protein product due to the creation of a premature termination codon in EVC2, a gene where loss-of-function variants are known to be pathogenic. Please note: this variant was assessed in the context of healthy population screening.